The following is an entry in ClinVar:

NM_001080517.3(SETD5):c.1432G>A (p.Asp478Asn)

Gene: SETD5 (SET domain containing 5; plus strand). Cytogenetic location: 3p25.3.
Variant type: single nucleotide variant.
Coding change: c.1432G>A on transcript NM_001080517.3 (MANE Select); coding-DNA position 1432, G replaced by A.
Protein change: p.Asp478Asn; replaces aspartic acid 478 with asparagine.
Molecular consequence: missense variant.
Genome position (GRCh38, 1-based): chr3:9,445,292, G>A. VCF-style: chr3-9445292-G-A. GRCh37 (hg19) VCF-style: chr3-9486976-G-A.
Other names: c.1138G>A, p.Asp380Asn (NM_001292043.2, NM_001349451.2); short protein forms D380N, D478N.
Identifiers: ClinVar variation 2827838 (VCV002827838.3), dbSNP rs2472832542, ClinGen allele CA351693807.

ClinVar aggregate classification (germline): Uncertain significance (1 of 4 stars; one submission).

Allele frequency attached by ClinVar (database versions not stated): gnomAD exomes below 0.00001.
gnomAD v4.1: 2 of 1,603,736 alleles (0.00012%); highest among the groups gnomAD compares: Non-Finnish European, 0.00017%; no homozygotes.

Submission:

Labcorp Genetics (formerly Invitae), Labcorp
Classification: Uncertain significance. Last evaluated: 2023-08-27. Review status: criteria provided, single submitter. Criteria: Invitae Variant Classification Sherloc (09022015). Collection method: clinical testing. Allele origin: germline.
Comment: This sequence change replaces aspartic acid, which is acidic and polar, with asparagine, which is neutral and polar, at codon 478 of the SETD5 protein (p.Asp478Asn). This variant is not present in population databases (gnomAD no frequency). This variant has not been reported in the literature in individuals affected with SETD5-related conditions. Advanced modeling of protein sequence and biophysical properties (such as structural, functional, and spatial information, amino acid conservation, physicochemical variation, residue mobility, and thermodynamic stability) performed at Invitae indicates that this missense variant is not expected to disrupt SETD5 protein function. In summary, the available evidence is currently insufficient to determine the role of this variant in disease. Therefore, it has been classified as a Variant of Uncertain Significance.